The following is an entry in ClinVar:

NM_001079.4(ZAP70):c.302C>A (p.Pro101Gln)

Gene: ZAP70 (zeta chain of T cell receptor associated protein kinase 70; plus strand). Cytogenetic location: 2q11.2.
Variant type: single nucleotide variant.
Coding change: c.302C>A on transcript NM_001079.4 (MANE Select); coding-DNA position 302, C replaced by A.
Protein change: p.Pro101Gln; replaces proline 101 with glutamine.
Molecular consequence: missense variant.
Genome position (GRCh38, 1-based): chr2:97,724,338, C>A. VCF-style: chr2-97724338-C-A. GRCh37 (hg19) VCF-style: chr2-98340801-C-A.
Other names: c.302C>A, p.Pro101Gln (NM_001378594.1); short protein forms P101Q.
Identifiers: ClinVar variation 651969 (VCV000651969.7), dbSNP rs1573262435, ClinGen allele CA347790599.
Genomic context (GRCh38, chr2:97,724,338, plus strand): 5'-CAGAGCTCTGCGAGTTCTACTCGCGCGACCCCGACGGGCTGCCCTGCAACCTGCGCAAGC[C>A]GTGCAACCGGCCGTCGGGCCTCGAGCCGCAGCCGGGGGTCTTCGACTGCCTGCGAGACGC-3'
Protein context (NP_001070.2, residues 91-111): PDGLPCNLRK[Pro101Gln]CNRPSGLEPQ

ClinVar aggregate classification (germline): Uncertain significance (1 of 4 stars; one submission).

Conditions:
Combined immunodeficiency due to ZAP70 deficiency (IMD48). Also called: Immunodeficiency 48; ZAP70 Deficiency. Identifiers: Orphanet 911, MedGen C2931299, MONDO:0010023, OMIM 269840.

Submission:

Labcorp Genetics (formerly Invitae), Labcorp
Classification: Uncertain significance for Combined immunodeficiency due to ZAP70 deficiency. Last evaluated: 2018-12-20. Review status: criteria provided, single submitter. Criteria: Invitae Variant Classification Sherloc (09022015). Collection method: clinical testing. Allele origin: germline.
Comment: This variant has not been reported in the literature in individuals with ZAP70-related conditions. This sequence change replaces proline with glutamine at codon 101 of the ZAP70 protein (p.Pro101Gln). The proline residue is highly conserved and there is a moderate physicochemical difference between proline and glutamine. This variant is not present in population databases (ExAC no frequency). Algorithms developed to predict the effect of missense changes on protein structure and function are either unavailable or do not agree on the potential impact of this missense change (SIFT: "Deleterious"; PolyPhen-2: "Probably Damaging"; Align-GVGD: "Class C0"). Algorithms developed to predict the effect of sequence changes on RNA splicing suggest that this variant may create or strengthen a splice site, but this prediction has not been confirmed by published transcriptional studies. In summary, the available evidence is currently insufficient to determine the role of this variant in disease. Therefore, it has been classified as a Variant of Uncertain Significance.